The following is an entry in ClinVar:

NM_001127222.2(CACNA1A):c.4067T>C (p.Ile1356Thr)

Gene: CACNA1A (calcium voltage-gated channel subunit alpha1 A; minus strand). Cytogenetic location: 19p13.13.
Variant type: single nucleotide variant.
Coding change: c.4067T>C on transcript NM_001127222.2 (MANE Select); coding-DNA position 4067, T replaced by C.
Protein change: p.Ile1356Thr; replaces isoleucine 1356 with threonine.
Molecular consequence: missense variant.
Genome position (GRCh38, 1-based): chr19:13,262,756, A>G on the plus strand (T>C on the coding strand, the complement: CACNA1A is on the minus strand). VCF-style: chr19-13262756-A-G. GRCh37 (hg19) VCF-style: chr19-13373570-A-G.
Other names: c.4079T>C, p.Ile1360Thr (NM_000068.4, NM_023035.3); c.4070T>C, p.Ile1357Thr (NM_001127221.2, NM_001174080.2); short protein forms I1356T, I1357T, I1360T.
Identifiers: ClinVar variation 3600627 (VCV003600627.1).

ClinVar aggregate classification (germline): Likely pathogenic (1 of 4 stars; one submission).

Submission:

GeneDx
Classification: Likely pathogenic. Last evaluated: 2024-07-25. Review status: criteria provided, single submitter. Criteria: GeneDx Variant Classification Process June 2021. Collection method: clinical testing. Allele origin: germline. Affected: yes.
Comment: Not observed at significant frequency in large population cohorts (gnomAD); In silico analysis supports that this missense variant has a deleterious effect on protein structure/function; Has not been previously published as pathogenic or benign to our knowledge